The following is an entry in ClinVar:

GRCh38/hg38 3q28-29(chr3:190667663-198110178)x3

Genes: LRCH3 (leucine rich repeats and calponin homology domain containing 3; plus strand), LRRC15 (leucine rich repeat containing 15; minus strand), LSG1 (large 60S subunit nuclear export GTPase 1; minus strand), MB21D2 (Mab-21 domain containing 2; minus strand), MELTF (melanotransferrin; minus strand) and 373 more. Cytogenetic location: 3q28-29.
Variant type: copy number gain.
Change: copy number 3 (three copies instead of two) of chr3:190,667,663-198,110,178 (7.44 Mb, GRCh38 coordinates, 1-based), cytogenetic band 3q28-29.
Identifiers: ClinVar variation 57998 (VCV000057998.1).

ClinVar aggregate classification (germline): Pathogenic (1 of 4 stars; one submission).

Submission:

ISCA site 17
Classification: Pathogenic. Last evaluated: 2011-08-12. Review status: criteria provided, single submitter. Criteria: Kaminsky et al. (Genet Med. 2011). Collection method: clinical testing. Allele origin: maternal. Affected: yes. Observed: 1 variant allele.
Comment: Copy number variation identified through the course of routine clinical cytogenomic testing in postnatal populations. Clinical assertions have been curated as described in Kaminsky et al. 2011.